The following is an entry in ClinVar:

NM_018249.6(CDK5RAP2):c.5143G>A (p.Gly1715Ser)

Gene: CDK5RAP2 (CDK5 regulatory subunit associated protein 2; minus strand). Cytogenetic location: 9q33.2.
Variant type: single nucleotide variant.
Coding change: c.5143G>A on transcript NM_018249.6 (MANE Select); coding-DNA position 5143, G replaced by A.
Protein change: p.Gly1715Ser; replaces glycine 1715 with serine.
Molecular consequence: missense variant. On other transcripts: non-coding transcript variant (5).
Genome position (GRCh38, 1-based): chr9:120,402,970, C>T on the plus strand (G>A on the coding strand, the complement: CDK5RAP2 is on the minus strand). VCF-style: chr9-120402970-C-T. GRCh37 (hg19) VCF-style: chr9-123165248-C-T.
Other names: c.4906G>A, p.Gly1636Ser (NM_001011649.3); c.4453G>A, p.Gly1485Ser (NM_001272039.2); c.5044G>A, p.Gly1682Ser (NM_001410992.1); c.5047G>A, p.Gly1683Ser (NM_001410993.1); c.5140G>A, p.Gly1714Ser (NM_001410994.1); short protein forms G1636S, G1683S, G1714S, G1715S, G1485S, G1682S.
Identifiers: ClinVar variation 2131302 (VCV002131302.2), dbSNP rs750564630, ClinGen allele CA5213354.

ClinVar aggregate classification (germline): Uncertain significance (1 of 4 stars; one submission).

Allele frequency attached by ClinVar (database versions not stated): gnomAD exomes below 0.00001; ExAC 0.00001.
gnomAD v4.1: 2 of 1,614,168 alleles (0.00012%); highest among the groups gnomAD compares: Non-Finnish European, 0.000085%; no homozygotes.

Submission:

Labcorp Genetics (formerly Invitae), Labcorp
Classification: Uncertain significance. Last evaluated: 2022-07-08. Review status: criteria provided, single submitter. Criteria: Invitae Variant Classification Sherloc (09022015). Collection method: clinical testing. Allele origin: germline.
Comment: In summary, the available evidence is currently insufficient to determine the role of this variant in disease. Therefore, it has been classified as a Variant of Uncertain Significance. Algorithms developed to predict the effect of missense changes on protein structure and function output the following: SIFT: "Tolerated"; PolyPhen-2: "Probably Damaging"; Align-GVGD: "Class C0". The serine amino acid residue is found in multiple mammalian species, which suggests that this missense change does not adversely affect protein function. This variant has not been reported in the literature in individuals affected with CDK5RAP2-related conditions. This variant is present in population databases (rs750564630, gnomAD 0.0009%). This sequence change replaces glycine, which is neutral and non-polar, with serine, which is neutral and polar, at codon 1715 of the CDK5RAP2 protein (p.Gly1715Ser).